The following is an entry in ClinVar:

ClinVar aggregate classification (germline): Uncertain significance (1 of 4 stars; one submission).

Submission:

Labcorp Genetics (formerly Invitae), Labcorp
Classification: Uncertain significance. Last evaluated: 2022-12-06. Review status: criteria provided, single submitter. Criteria: Invitae Variant Classification Sherloc (09022015). Collection method: clinical testing. Allele origin: germline.
Comment: In summary, the available evidence is currently insufficient to determine the role of this variant in disease. Therefore, it has been classified as a Variant of Uncertain Significance. Algorithms developed to predict the effect of missense changes on protein structure and function are either unavailable or do not agree on the potential impact of this missense change (SIFT: "Deleterious"; PolyPhen-2: "Probably Damaging"; Align-GVGD: "Class C0"). This variant has not been reported in the literature in individuals affected with CPLX1-related conditions. This variant is not present in population databases (gnomAD no frequency). This sequence change replaces proline, which is neutral and non-polar, with glutamine, which is neutral and polar, at codon 127 of the CPLX1 protein (p.Pro127Gln).

NM_006651.4(CPLX1):c.380C>A (p.Pro127Gln)

Gene: CPLX1 (complexin 1; minus strand). Cytogenetic location: 4p16.3.
Variant type: single nucleotide variant.
Coding change: c.380C>A on transcript NM_006651.4 (MANE Select); coding-DNA position 380, C replaced by A.
Protein change: p.Pro127Gln; replaces proline 127 with glutamine.
Molecular consequence: missense variant.
Genome position (GRCh38, 1-based): chr4:786,526, G>T on the plus strand (C>A on the coding strand, the complement: CPLX1 is on the minus strand). VCF-style: chr4-786526-G-T. GRCh37 (hg19) VCF-style: chr4-780314-G-T.
Other names: short protein forms P127Q.
Identifiers: ClinVar variation 2069940 (VCV002069940.4), dbSNP rs778428028, ClinGen allele CA355921200.